The following is an entry in ClinVar:

NM_001369268.1(ACAN):c.400G>A (p.Glu134Lys)

Gene: ACAN (aggrecan; plus strand). Cytogenetic location: 15q26.1.
Variant type: single nucleotide variant.
Coding change: c.400G>A on transcript NM_001369268.1 (MANE Select); coding-DNA position 400, G replaced by A.
Protein change: p.Glu134Lys; replaces glutamic acid 134 with lysine.
Molecular consequence: missense variant.
Genome position (GRCh38, 1-based): chr15:88,838,992, G>A. VCF-style: chr15-88838992-G-A. GRCh37 (hg19) VCF-style: chr15-89382223-G-A.
Other names: c.400G>A (NM_013227.3); c.400G>A, p.Glu134Lys (NM_001135.4, NM_013227.4); short protein forms E134K.
Identifiers: ClinVar variation 1328341 (VCV001328341.9), dbSNP rs372054790, ClinGen allele CA7719211.

ClinVar aggregate classification (germline): Uncertain significance. Review status: criteria provided, multiple submitters, no conflicts (2 of 4 stars). 4 submissions from 4 submitters: Uncertain significance (2). 2 of the submissions do not count toward it. Last evaluated 2025-04-16.

Conditions:
Inborn genetic diseases. Identifiers: MedGen C0950123, MeSH D030342.

Allele frequency attached by ClinVar (database versions not stated): gnomAD 0.00003; TOPMed 0.00003; ExAC 0.00004; gnomAD exomes 0.00004; ESP Exome Variant Server 0.00008.
gnomAD v4.1: 52 of 1,611,596 alleles (0.0032%); highest among the groups gnomAD compares: African/African-American, 0.0053%; no homozygotes.

Submissions (4):

Ambry Genetics
Classification: Uncertain significance for Inborn genetic diseases. Last evaluated: 2025-04-16. Review status: criteria provided, single submitter. Criteria: Ambry Variant Classification Scheme 2023. Collection method: clinical testing. Allele origin: germline.

Labcorp Genetics (formerly Invitae), Labcorp
Classification: Uncertain significance. Last evaluated: 2024-01-01. Review status: criteria provided, single submitter. Criteria: Invitae Variant Classification Sherloc (09022015). Collection method: clinical testing. Allele origin: germline.
Comment: This sequence change replaces glutamic acid, which is acidic and polar, with lysine, which is basic and polar, at codon 134 of the ACAN protein (p.Glu134Lys). This variant is present in population databases (rs372054790, gnomAD 0.007%). This variant has not been reported in the literature in individuals affected with ACAN-related conditions. ClinVar contains an entry for this variant (Variation ID: 1328341). Advanced modeling of protein sequence and biophysical properties (such as structural, functional, and spatial information, amino acid conservation, physicochemical variation, residue mobility, and thermodynamic stability) performed at Invitae indicates that this missense variant is not expected to disrupt ACAN protein function with a negative predictive value of 80%. In summary, the available evidence is currently insufficient to determine the role of this variant in disease. Therefore, it has been classified as a Variant of Uncertain Significance.

Clinical Genetics DNA and cytogenetics Diagnostics Lab, Erasmus MC, Erasmus Medical Center
Classification: Uncertain significance. Review status: no assertion criteria provided. Collection method: clinical testing. Allele origin: germline. Affected: yes. Study: VKGL Data-share Consensus. Not counted in ClinVar's aggregate classification.

Laboratory of Diagnostic Genome Analysis, Leiden University Medical Center (LUMC)
Classification: Uncertain significance. Review status: no assertion criteria provided. Collection method: clinical testing. Allele origin: germline. Affected: yes. Study: VKGL Data-share Consensus. Not counted in ClinVar's aggregate classification.